The following is an entry in ClinVar:

ClinVar aggregate classification (germline): Uncertain significance. Review status: criteria provided, multiple submitters, no conflicts (2 of 4 stars). 3 submissions from 3 submitters: Uncertain significance (3). Last evaluated 2025-11-01.

Conditions:
Inborn genetic diseases. Identifiers: MedGen C0950123, MeSH D030342.
Megaconial type congenital muscular dystrophy (MDCMC). Also called: CHKB-Related Muscular Dystrophy; CHKB-Related Muscle Diseases; MUSCULAR DYSTROPHY, CONGENITAL, WITH MITOCHONDRIAL STRUCTURAL ABNORMALITIES. Identifiers: Orphanet 280671, MedGen C1865233, MONDO:0011246, OMIM 602541.

Allele frequency attached by ClinVar (database versions not stated): TOPMed 0.00002; ESP Exome Variant Server 0.00008.
gnomAD v4.1: 33 of 1,609,914 alleles (0.002%); highest among the groups gnomAD compares: Middle Eastern, 0.017%; no homozygotes.

Submissions (3):

CeGaT Center for Human Genetics Tuebingen
Classification: Uncertain significance. Last evaluated: 2025-11-01. Review status: criteria provided, single submitter. Criteria: CeGaT Center For Human Genetics Tuebingen Variant Classification Criteria Version 2. Collection method: clinical testing. Allele origin: germline. Affected: yes. Observed: 2 variant alleles.

Ambry Genetics
Classification: Uncertain significance for Inborn genetic diseases. Last evaluated: 2024-11-10. Review status: criteria provided, single submitter. Criteria: Ambry Variant Classification Scheme 2023. Collection method: clinical testing. Allele origin: germline.

Labcorp Genetics (formerly Invitae), Labcorp
Classification: Uncertain significance for Megaconial type congenital muscular dystrophy. Last evaluated: 2022-08-30. Review status: criteria provided, single submitter. Criteria: Invitae Variant Classification Sherloc (09022015). Collection method: clinical testing. Allele origin: germline.
Comment: This sequence change replaces lysine, which is basic and polar, with arginine, which is basic and polar, at codon 27 of the CHKB protein (p.Lys27Arg). This variant is present in population databases (rs149592688, gnomAD 0.003%). This variant has not been reported in the literature in individuals affected with CHKB-related conditions. Algorithms developed to predict the effect of missense changes on protein structure and function output the following: SIFT: "Tolerated"; PolyPhen-2: "Benign"; Align-GVGD: "Class C0". The arginine amino acid residue is found in multiple mammalian species, which suggests that this missense change does not adversely affect protein function. Algorithms developed to predict the effect of sequence changes on RNA splicing suggest that this variant may create or strengthen a splice site. In summary, the available evidence is currently insufficient to determine the role of this variant in disease. Therefore, it has been classified as a Variant of Uncertain Significance.

NM_005198.5(CHKB):c.80A>G (p.Lys27Arg)

Genes: CHKB (choline kinase beta; minus strand), CHKB-CPT1B (CHKB-CPT1B readthrough (NMD candidate); minus strand). Cytogenetic location: 22q13.33.
Variant type: single nucleotide variant.
Coding change: c.80A>G on transcript NM_005198.5 (MANE Select); coding-DNA position 80, A replaced by G.
Protein change: p.Lys27Arg; replaces lysine 27 with arginine.
Molecular consequence: missense variant. On other transcripts: non-coding transcript variant (1).
Genome position (GRCh38, 1-based): chr22:50,582,702, T>C on the plus strand (A>G on the coding strand, the complement: CHKB is on the minus strand). VCF-style: chr22-50582702-T-C. GRCh37 (hg19) VCF-style: chr22-51021131-T-C.
Other names: short protein forms K27R.
Identifiers: ClinVar variation 1916730 (VCV001916730.28), dbSNP rs149592688, ClinGen allele CA10323918.
Genomic context (GRCh38, chr22:50,582,702, plus strand): 5'-CGCTCGGCGTCACGCGACAGCGACGAGGCGCGCCGCCGTTTTGGGGTAGTGTCCGGGCAC[T>C]TAGACTGCTGCAAGCCGTCTTTGGCCAGGCAGCCGCCAACAGCCCCGCTTCCGGCCACAG-3'
Protein context (NP_005189.2, residues 17-37): CLAKDGLQQS[Lys27Arg]CPDTTPKRRR